The following is an entry in ClinVar:

NM_206538.4(EMC10):c.380A>G (p.Tyr127Cys)

Gene: EMC10 (ER membrane protein complex subunit 10; plus strand). Cytogenetic location: 19q13.33.
Variant type: single nucleotide variant.
Coding change: c.380A>G on transcript NM_206538.4 (MANE Select); coding-DNA position 380, A replaced by G.
Protein change: p.Tyr127Cys; replaces tyrosine 127 with cysteine.
Molecular consequence: missense variant.
Genome position (GRCh38, 1-based): chr19:50,480,193, A>G. VCF-style: chr19-50480193-A-G. GRCh37 (hg19) VCF-style: chr19-50983450-A-G.
Other names: c.380A>G, p.Tyr127Cys (NM_175063.6); c.380A>G (NM_175063.5); short protein forms Y127C.
Identifiers: ClinVar variation 2353977 (VCV002353977.4), dbSNP rs144520308, ClinGen allele CA9599037.
Genomic context (GRCh38, chr19:50,480,193, plus strand): 5'-TGTACCGGGTCCGGATCCCAAGGCGACCCGGGGCCCTGGATGGCCTGGAAGCTGGTGGCT[A>G]TGTCTCCTCCTTTGTCCCTGCGGTGAGTTGGTGTCGGGGATGAGCCCCCTTCTCCCTCGT-3'
Protein context (NP_996261.1, residues 117-137): GALDGLEAGG[Tyr127Cys]VSSFVPACSL

ClinVar aggregate classification (germline): Uncertain significance. Review status: criteria provided, multiple submitters, no conflicts (2 of 4 stars). 2 submissions from 2 submitters: Uncertain significance (2). Last evaluated 2025-11-26.

Conditions:
Inborn genetic diseases. Identifiers: MedGen C0950123, MeSH D030342.

Allele frequency attached by ClinVar (database versions not stated): gnomAD exomes 0.00002; TOPMed 0.00006; ExAC 0.00007; ESP Exome Variant Server 0.00015; 1000 Genomes Project 0.00020; gnomAD 0.00011; 1000 Genomes Project 30x 0.00031.
gnomAD v4.1: 54 of 1,613,824 alleles (0.0033%); highest among the groups gnomAD compares: African/African-American, 0.044%; 1 homozygote.

Submissions (2):

Ambry Genetics
Classification: Uncertain significance for Inborn genetic diseases. Last evaluated: 2025-11-26. Review status: criteria provided, single submitter. Criteria: Ambry Variant Classification Scheme 2023. Collection method: clinical testing. Allele origin: germline.

GeneDx
Classification: Uncertain significance. Last evaluated: 2024-11-05. Review status: criteria provided, single submitter. Criteria: GeneDx Variant Classification Process June 2021. Collection method: clinical testing. Allele origin: germline. Affected: yes.
Comment: In silico analysis supports that this missense variant has a deleterious effect on protein structure/function; Has not been previously published as pathogenic or benign to our knowledge